The following is an entry in ClinVar:

ClinVar aggregate classification (germline): Likely benign (1 of 4 stars; one submission).

Allele frequency attached by ClinVar (database versions not stated): gnomAD 0.00001.
gnomAD v4.1: 2 of 1,608,414 alleles (0.00012%); highest among the groups gnomAD compares: South Asian, 0.0011%; no homozygotes.

Submission:

CeGaT Center for Human Genetics Tuebingen
Classification: Likely benign. Last evaluated: 2022-10-01. Review status: criteria provided, single submitter. Criteria: CeGaT Center For Human Genetics Tuebingen Variant Classification Criteria Version 2. Collection method: clinical testing. Allele origin: germline. Affected: yes. Observed: 1 variant allele.
Comment: VARS1: BP4, BP7

NM_006295.3(VARS1):c.3579G>A (p.Gly1193=)

Gene: VARS1 (valyl-tRNA synthetase 1; minus strand). Cytogenetic location: 6p21.33.
Variant type: single nucleotide variant.
Coding change: c.3579G>A on transcript NM_006295.3 (MANE Select); coding-DNA position 3579, G replaced by A.
Protein change: p.Gly1193=; no amino-acid change (glycine 1193 retained).
Molecular consequence: synonymous variant.
Genome position (GRCh38, 1-based): chr6:31,779,114, C>T on the plus strand (G>A on the coding strand, the complement: VARS1 is on the minus strand). VCF-style: chr6-31779114-C-T. GRCh37 (hg19) VCF-style: chr6-31746891-C-T.
Identifiers: ClinVar variation 2656419 (VCV002656419.24), dbSNP rs1437171498, ClinGen allele CA449803155.
Genomic context (GRCh38, chr6:31,779,114, plus strand): 5'-CCGCTGGGCCTCAACTCGCTTGGCTTGCAGCTTGCCCAGCTCCCGTGCAGGGTCCACCAG[C>T]CCCTGAAGCTGCAGGTGGATGGAGCAGCGATCAGAAGCCAGAGCCACAGCGCAACCCTGG-3'
Protein context (NP_006286.1, residues 1183-1203): DRCSIHLQLQ[Gly1193=]LVDPARELGK